The following is an entry in ClinVar:

NM_000173.7(GP1BA):c.482C>T (p.Thr161Met)

Gene: GP1BA (glycoprotein Ib platelet subunit alpha; plus strand). Cytogenetic location: 17p13.2.
Variant type: single nucleotide variant.
Coding change: c.482C>T on transcript NM_000173.7 (MANE Select); coding-DNA position 482, C replaced by T.
Protein change: p.Thr161Met; replaces threonine 161 with methionine.
Molecular consequence: missense variant.
Genome position (GRCh38, 1-based): chr17:4,933,086, C>T. VCF-style: chr17-4933086-C-T. GRCh37 (hg19) VCF-style: chr17-4836381-C-T.
Other names: NM_000173.7(GP1BA):c.482C>T; short protein forms T161M.
Identifiers: ClinVar variation 226006 (VCV000226006.11), dbSNP rs6065, ClinGen allele CA8314782.
Genomic context (GRCh38, chr17:4,933,086, plus strand): 5'-AACTCCAAGAGCTCTACCTGAAAGGCAATGAGCTGAAGACCCTGCCCCCAGGGCTCCTGA[C>T]GCCCACACCCAAGCTGGAGAAGCTCAGTCTGGCTAACAACAACTTGACTGAGCTCCCCGC-3'
Protein context (NP_000164.5, residues 151-171): ELKTLPPGLL[Thr161Met]PTPKLEKLSL

ClinVar aggregate classification (germline): Benign. Review status: reviewed by expert panel (3 of 4 stars). 7 submissions from 7 submitters: Benign (1). 6 of the submissions do not count toward it. Last evaluated 2025-02-11.

Conditions:
Bernard Soulier syndrome (BSS). Also called: BLEEDING DISORDER, PLATELET-TYPE, 1; PLATELET GLYCOPROTEIN Ib DEFICIENCY; VON WILLEBRAND FACTOR RECEPTOR DEFICIENCY; GLYCOPROTEIN Ib, PLATELET, DEFICIENCY OF; Platelet Glycoprotein 1b, Deficiency of; Giant platelet syndrome. Identifiers: Orphanet 274, MedGen C0005129, MeSH D001606, MONDO:0009276, OMIM 231200.

Allele frequency attached by ClinVar (database versions not stated): gnomAD exomes 0.08371 and 0.09765; ExAC 0.09796; gnomAD 0.12253; ESP Exome Variant Server 0.12316; 1000 Genomes Project 30x 0.13070; 1000 Genomes Project 0.13159; TOPMed 0.13444.
gnomAD v4.1: 141,777 of 1,613,802 alleles (8.8%); highest among the groups gnomAD compares: African/African-American, 23%; 7,477 homozygotes.

Submissions (7):

ClinGen Platelet Disorders Variant Curation Expert Panel, ClinGen
Classification: Benign for Bernard Soulier syndrome. Last evaluated: 2025-02-11. Review status: reviewed by expert panel. Criteria: ClinGen Platelet ACMG Specifications GP1BA V1.0.0. Collection method: curation. Allele origin: germline. Inheritance: Autosomal recessive inheritance.
Comment: The missense variant NM_000173.7(GP1BA):c.482C>T (p.Thr161Met) is associated with the polymorphism HPA-2. Moreover, the Grpmax filtering allele frequency in gnomAD v4.1 is 0.2237 (based on 16982/74950 alleles) in African/African American population, which is significantly higher than the ClinGen PD VCEP threshold (>0.001) for BA1. Additionally, the computational predictor REVEL gives a score of 0.041, which is below the ClinGen PD VCEP threshold of <0.25 predicting no damaging effect on GP1BA function and the SpliceAI score is zero (BP4). In summary, this variant meets the criteria to be classified as Benign for autosomal recessive Bernard-Soulier syndrome based on the ACMG/AMP criteria applied, as specified by the ClinGen PD VCEP: BA1 and BP4.

Women's Health and Genetics/Laboratory Corporation of America, LabCorp
Classification: Likely benign. Last evaluated: 2026-04-21. Review status: criteria provided, single submitter. Criteria: LabCorp Variant Classification Summary - May 2015. Collection method: clinical testing. Allele origin: germline. Not counted in ClinVar's aggregate classification.

Labcorp Genetics (formerly Invitae), Labcorp
Classification: Benign. Last evaluated: 2026-01-28. Review status: criteria provided, single submitter. Criteria: Invitae Variant Classification Sherloc (09022015). Collection method: clinical testing. Allele origin: germline. Not counted in ClinVar's aggregate classification.

Blueprint Genetics
Classification: Likely benign. Last evaluated: 2024-11-27. Review status: criteria provided, single submitter. Criteria: ACMG Guidelines, 2015. Collection method: clinical testing. Allele origin: germline. Not counted in ClinVar's aggregate classification.

GeneDx
Classification: Benign. Last evaluated: 2021-01-11. Review status: criteria provided, single submitter. Criteria: GeneDx Variant Classification Process June 2021. Collection method: clinical testing. Allele origin: germline. Affected: yes. Not counted in ClinVar's aggregate classification.
Comment: This variant is associated with the following publications: (PMID: 12775575, 18417193, 23413192, 15686464)

Breakthrough Genomics
Classification: Benign. Review status: criteria provided, single submitter. Criteria: ACMG Guidelines, 2015. Collection method: not provided. Allele origin: germline. Inheritance: Autosomal recessive inheritance. Affected: yes. Not counted in ClinVar's aggregate classification.

PreventionGenetics, part of Exact Sciences
Classification: Benign. Review status: criteria provided, single submitter. Criteria: ACMG Guidelines, 2015. Collection method: clinical testing. Allele origin: germline. Not counted in ClinVar's aggregate classification.